The following is an entry in ClinVar:

ClinVar aggregate classification (germline): Uncertain significance (1 of 4 stars; one submission).

Conditions:
Charcot-Marie-Tooth disease axonal type 2O. Also called: CHARCOT-MARIE-TOOTH NEUROPATHY, AXONAL, TYPE 2O; CHARCOT-MARIE-TOOTH DISEASE, AXONAL, AUTOSOMAL DOMINANT, TYPE 2O; Charcot-Marie-Tooth disease, axonal, type 20; Charcot-Marie-Tooth Neuropathy Type 2O. Identifiers: Orphanet 284232, MedGen C3280220, MONDO:0013644, OMIM 614228.

Submission:

Labcorp Genetics (formerly Invitae), Labcorp
Classification: Uncertain significance for Charcot-Marie-Tooth disease axonal type 2O. Last evaluated: 2022-03-26. Review status: criteria provided, single submitter. Criteria: Invitae Variant Classification Sherloc (09022015). Collection method: clinical testing. Allele origin: germline.
Comment: In summary, the available evidence is currently insufficient to determine the role of this variant in disease. Therefore, it has been classified as a Variant of Uncertain Significance. Algorithms developed to predict the effect of missense changes on protein structure and function are either unavailable or do not agree on the potential impact of this missense change (SIFT: "Deleterious"; PolyPhen-2: "Probably Damaging"; Align-GVGD: "Class C0"). This variant has not been reported in the literature in individuals affected with DYNC1H1-related conditions. This variant is not present in population databases (gnomAD no frequency). This sequence change replaces valine, which is neutral and non-polar, with methionine, which is neutral and non-polar, at codon 1582 of the DYNC1H1 protein (p.Val1582Met).

NM_001376.5(DYNC1H1):c.4744G>A (p.Val1582Met)

Gene: DYNC1H1 (dynein cytoplasmic 1 heavy chain 1; plus strand). Cytogenetic location: 14q32.31.
Variant type: single nucleotide variant.
Coding change: c.4744G>A on transcript NM_001376.5 (MANE Select); coding-DNA position 4744, G replaced by A.
Protein change: p.Val1582Met; replaces valine 1582 with methionine.
Molecular consequence: missense variant.
Genome position (GRCh38, 1-based): chr14:102,002,826, G>A. VCF-style: chr14-102002826-G-A. GRCh37 (hg19) VCF-style: chr14-102469163-G-A.
Other names: short protein forms V1582M.
Identifiers: ClinVar variation 2117610 (VCV002117610.4), dbSNP rs2503734206, ClinGen allele CA391043426.